The following is an entry in ClinVar:

NM_000492.4(CFTR):c.2620-2A>G

Gene: CFTR (CF transmembrane conductance regulator; plus strand). Cytogenetic location: 7q31.2.
Variant type: single nucleotide variant.
Coding change: c.2620-2A>G on transcript NM_000492.4 (MANE Select); the canonical splice acceptor site of the intron before coding-DNA position 2620, A replaced by G.
Molecular consequence: splice acceptor variant.
Genome position (GRCh38, 1-based): chr7:117,602,824, A>G. VCF-style: chr7-117602824-A-G. GRCh37 (hg19) VCF-style: chr7-117242878-A-G.
Identifiers: ClinVar variation 526018 (VCV000526018.12), dbSNP rs1554390859, ClinGen allele CA368985845.

ClinVar aggregate classification (germline): Pathogenic/Likely pathogenic. Review status: criteria provided, multiple submitters, no conflicts (2 of 4 stars). 3 submissions from 3 submitters: Pathogenic (1); Likely pathogenic (1). 1 of the submissions does not count toward it. Last evaluated 2022-03-08.

Conditions:
Cystic fibrosis (CF). Also called: MUCOVISCIDOSIS. Identifiers: Orphanet 586, MedGen C0010674, MONDO:0009061, OMIM 219700. Disease mechanism: loss of function.
CFTR-related disorder (CFTR-RD). Also called: CFTR-related disorders; CFTR-related condition. Identifiers: MedGen C5924204, MONDO:7770004.

Submissions (3):

Ambry Genetics
Classification: Likely pathogenic for Cystic fibrosis. Last evaluated: 2022-03-08. Review status: criteria provided, single submitter. Criteria: Ambry Variant Classification Scheme 2023. Collection method: clinical testing. Allele origin: germline.
Comment: The c.2620-2A>G intronic variant results from an A to G substitution two nucleotides before coding exon 16 in the CFTR gene. This variant is considered to be rare based on population cohorts in the Genome Aggregation Database (gnomAD). This nucleotide position is highly conserved in available vertebrate species. In silico splice site analysis predicts that this alteration will weaken the native splice acceptor site. Alterations that disrupt the canonical splice site are expected to cause aberrant splicing, resulting in an abnormal protein or a transcript that is subject to nonsense-mediated mRNA decay. As such, this alteration is classified as likely pathogenic.

Labcorp Genetics (formerly Invitae), Labcorp
Classification: Pathogenic for Cystic fibrosis. Last evaluated: 2019-02-14. Review status: criteria provided, single submitter. Criteria: Invitae Variant Classification Sherloc (09022015). Collection method: clinical testing. Allele origin: germline.
Comment: Algorithms developed to predict the effect of sequence changes on RNA splicing suggest that this variant may disrupt the consensus splice site, but this prediction has not been confirmed by published transcriptional studies. For these reasons, this variant has been classified as Pathogenic. Donor and acceptor splice site variants typically lead to a loss of protein function (PMID: 16199547), and loss-of-function variants in CFTR are known to be pathogenic (PMID: 1695717, 7691345, 9725922). This variant is not present in population databases (ExAC no frequency). This sequence change affects an acceptor splice site in intron 15 of the CFTR gene. It is expected to disrupt RNA splicing and likely results in an absent or disrupted protein product.

Natera, Inc.
Classification: Pathogenic for CFTR-related disorders. Last evaluated: 2017-03-17. Review status: no assertion criteria provided. Collection method: clinical testing. Allele origin: germline. Not counted in ClinVar's aggregate classification.

Literature cited by the submitters: PubMed 16199547 (cited by Labcorp Genetics (formerly Invitae), Labcorp); PubMed 1695717 (cited by Labcorp Genetics (formerly Invitae), Labcorp); PubMed 7691345 (cited by Labcorp Genetics (formerly Invitae), Labcorp); PubMed 9725922 (cited by Labcorp Genetics (formerly Invitae), Labcorp).